The following is an entry in ClinVar:

ClinVar aggregate classification (germline): Uncertain significance (1 of 4 stars; one submission).

Conditions:
Hereditary sensory and autonomic neuropathy type 6. Also called: HSAN VI; Neuropathy, hereditary sensory and autonomic, type VI. Identifiers: Orphanet 314381, MedGen C3539003, MONDO:0013839, OMIM 614653.
Epidermolysis bullosa simplex 3, localized or generalized intermediate, with BP230 deficiency (EBS3). Also called: Epidermolysis bullosa simplex, autosomal recessive 2; Epidermolysis bullosa simplex due to BP230 deficiency. Identifiers: Orphanet 412181, MedGen C3809470, MONDO:0014180, OMIM 615425.

Allele frequency attached by ClinVar (database versions not stated): ExAC 0.00002.
gnomAD v4.1: 21 of 1,614,222 alleles (0.0013%); highest among the groups gnomAD compares: Non-Finnish European, 0.0018%; no homozygotes.

Submission:

Labcorp Genetics (formerly Invitae), Labcorp
Classification: Uncertain significance for Epidermolysis bullosa simplex 3, localized or generalized intermediate, with BP230 deficiency; Hereditary sensory and autonomic neuropathy type 6. Last evaluated: 2022-03-28. Review status: criteria provided, single submitter. Criteria: Invitae Variant Classification Sherloc (09022015). Collection method: clinical testing. Allele origin: germline.
Comment: This variant has not been reported in the literature in individuals affected with DST-related conditions. In summary, the available evidence is currently insufficient to determine the role of this variant in disease. Therefore, it has been classified as a Variant of Uncertain Significance. Algorithms developed to predict the effect of missense changes on protein structure and function (SIFT, PolyPhen-2, Align-GVGD) all suggest that this variant is likely to be tolerated. This variant is present in population databases (rs757984661, gnomAD 0.0009%). This sequence change replaces threonine, which is neutral and polar, with alanine, which is neutral and non-polar, at codon 2532 of the DST protein (p.Thr2532Ala).

NM_001723.7(DST):c.7594A>G (p.Thr2532Ala)

Gene: DST (dystonin; minus strand). Cytogenetic location: 6p12.1.
Variant type: single nucleotide variant.
Coding change: c.7594A>G on transcript NM_001723.7 (MANE Plus Clinical); coding-DNA position 7594, A replaced by G.
Protein change: p.Thr2532Ala; replaces threonine 2532 with alanine.
Molecular consequence: missense variant. On other transcripts: intron variant (10).
Genome position (GRCh38, 1-based): chr6:56,615,873, T>C on the plus strand (A>G on the coding strand, the complement: DST is on the minus strand). VCF-style: chr6-56615873-T-C. GRCh37 (hg19) VCF-style: chr6-56480671-T-C.
Other names: c.4831-1389A>G (NM_001144769.5); c.4930-1389A>G (NM_001374722.1, NM_001374736.1); c.4957-1389A>G (NM_001374734.1); c.4417-1389A>G (NM_001144770.2); c.4297-1389A>G (NM_001374730.1, NM_001386100.1, NM_183380.4 and 1 more transcripts); c.3319-1389A>G (NM_015548.5); short protein forms T2532A.
Identifiers: ClinVar variation 1906759 (VCV001906759.5), dbSNP rs757984661, ClinGen allele CA3869928.